The following is an entry in ClinVar:

ClinVar aggregate classification (germline): Uncertain significance (1 of 4 stars; one submission).

Conditions:
Hereditary spastic paraplegia 8 (SPG8). Also called: SPASTIC PARAPLEGIA 8, AUTOSOMAL DOMINANT. Identifiers: Orphanet 100989, MedGen C1863704, MONDO:0011339, OMIM 603563.
Ritscher-Schinzel syndrome. Also called: CRANIOCEREBELLOCARDIAC DYSPLASIA. Identifiers: Orphanet 7, MedGen C0796137, MONDO:0019078.

Submission:

Labcorp Genetics (formerly Invitae), Labcorp
Classification: Uncertain significance for Ritscher-Schinzel syndrome; Hereditary spastic paraplegia 8. Last evaluated: 2022-11-01. Review status: criteria provided, single submitter. Criteria: Invitae Variant Classification Sherloc (09022015). Collection method: clinical testing. Allele origin: germline.
Comment: In summary, the available evidence is currently insufficient to determine the role of this variant in disease. Therefore, it has been classified as a Variant of Uncertain Significance. This sequence change falls in intron 18 of the WASHC5 gene. It does not directly change the encoded amino acid sequence of the WASHC5 protein. Information on the frequency of this variant in the gnomAD database is not available, as this variant may be reported differently in the database. This variant has not been reported in the literature in individuals affected with WASHC5-related conditions. Experimental studies and prediction algorithms are not available or were not evaluated, and the effect of this variant on mRNA splicing is currently unknown.

NM_014846.4(WASHC5):c.2199+15_2199+16delinsTG

Gene: WASHC5 (WASH complex subunit 5; minus strand). Cytogenetic location: 8q24.13.
Variant type: Indel.
Coding change: c.2199+15_2199+16delinsTG on transcript NM_014846.4 (MANE Select); bases 15 to 16 of the intron after coding-DNA position 2199, GA replaced by TG.
Molecular consequence: intron variant.
Genome position (GRCh38, 1-based): chr8:125,050,548-125,050,549, TC replaced by CA on the plus strand (GA replaced by TG on the coding strand, the reverse complement: WASHC5 is on the minus strand). VCF-style: chr8-125050548-TC-CA. GRCh37 (hg19) VCF-style: chr8-126062790-TC-CA.
Other names: c.1755+15_1755+16delinsTG (NM_001330609.2).
Identifiers: ClinVar variation 2075308 (VCV002075308.4), dbSNP rs2537321458, ClinGen allele CA2580078581.
Genomic context (GRCh38, chr8:125,050,548, plus strand): 5'-AGGTTAAAAATGGCATTCTAGTCCATGCTGCAAGCTGGGCGGAGAAGAGGACAGGCCCAC[TC>CA]TGGTCACTGGGTACCTTGGCTCGAGGGTTGAATATCAGTCCCCTATGCAGGGCAAAGGCA-3'